The following is an entry in ClinVar:

NM_032898.5(CEP19):c.242T>C (p.Leu81Ser)

Gene: CEP19 (centrosomal protein 19; minus strand). Cytogenetic location: 3q29.
Variant type: single nucleotide variant.
Coding change: c.242T>C on transcript NM_032898.5 (MANE Select); coding-DNA position 242, T replaced by C.
Protein change: p.Leu81Ser; replaces leucine 81 with serine.
Molecular consequence: missense variant.
Genome position (GRCh38, 1-based): chr3:196,707,801, A>G on the plus strand (T>C on the coding strand, the complement: CEP19 is on the minus strand). VCF-style: chr3-196707801-A-G. GRCh37 (hg19) VCF-style: chr3-196434672-A-G.
Other names: c.137T>C, p.Leu46Ser (NM_001379468.1); c.242T>C, p.Leu81Ser (NM_001379469.1, NM_001379470.1); short protein forms L46S, L81S.
Identifiers: ClinVar variation 1015487 (VCV001015487.3), dbSNP rs1711581562, ClinGen allele CA355634450.
Genomic context (GRCh38, chr3:196,707,801, plus strand): 5'-GGATCAATGGTTGTTTCCCGTTGAATTTGTTCCATTGTTTCTGCCAGACTCTGCCCCGAC[A>G]AGTAACCTCGTAAAAAACTGAATAGCTTCTCTAGCTGCCTCAGGGATACTTGTTCTAGGT-3'
Protein context (NP_116287.3, residues 71-91): EKLFSFLRGY[Leu81Ser]SGQSLAETME

ClinVar aggregate classification (germline): Uncertain significance (1 of 4 stars; one submission).

Allele frequency attached by ClinVar (database versions not stated): gnomAD exomes below 0.00001.
gnomAD v4.1: 5 of 1,614,148 alleles (0.00031%); highest among the groups gnomAD compares: Middle Eastern, 0.033%; no homozygotes.

Submission:

Labcorp Genetics (formerly Invitae), Labcorp
Classification: Uncertain significance. Last evaluated: 2022-08-21. Review status: criteria provided, single submitter. Criteria: Invitae Variant Classification Sherloc (09022015). Collection method: clinical testing. Allele origin: germline.
Comment: In summary, the available evidence is currently insufficient to determine the role of this variant in disease. Therefore, it has been classified as a Variant of Uncertain Significance. Algorithms developed to predict the effect of missense changes on protein structure and function (SIFT, PolyPhen-2, Align-GVGD) all suggest that this variant is likely to be disruptive. ClinVar contains an entry for this variant (Variation ID: 1015487). This variant has not been reported in the literature in individuals affected with CEP19-related conditions. This variant is not present in population databases (gnomAD no frequency). This sequence change replaces leucine, which is neutral and non-polar, with serine, which is neutral and polar, at codon 85 of the CEP19 protein (p.Leu85Ser).